The following is an entry in ClinVar:

ClinVar aggregate classification (germline): Uncertain significance (1 of 4 stars; one submission).

Submission:

GeneDx
Classification: Uncertain significance. Last evaluated: 2019-11-08. Review status: criteria provided, single submitter. Criteria: GeneDx Variant Classification Process June 2021. Collection method: clinical testing. Allele origin: germline. Affected: yes.
Comment: Not observed in large population cohorts (Lek et al., 2016); In silico analysis, which includes protein predictors and evolutionary conservation, supports a deleterious effect; Has not been previously published as pathogenic or benign to our knowledge

NM_002098.6(GUCA1B):c.428A>C (p.Glu143Ala)

Gene: GUCA1B (guanylate cyclase activator 1B; minus strand). Cytogenetic location: 6p21.1.
Variant type: single nucleotide variant.
Coding change: c.428A>C on transcript NM_002098.6 (MANE Select); coding-DNA position 428, A replaced by C.
Protein change: p.Glu143Ala; replaces glutamic acid 143 with alanine.
Molecular consequence: missense variant.
Genome position (GRCh38, 1-based): chr6:42,185,727, T>G on the plus strand (A>C on the coding strand, the complement: GUCA1B is on the minus strand). VCF-style: chr6-42185727-T-G. GRCh37 (hg19) VCF-style: chr6-42153465-T-G.
Other names: short protein forms E143A.
Identifiers: ClinVar variation 1309496 (VCV001309496.2), dbSNP rs1365897651, ClinGen allele CA364112411.